The following is an entry in ClinVar:

ClinVar aggregate classification (germline): Uncertain significance (1 of 4 stars; one submission).

Conditions:
Possible mitochondrial disorder - nuclear genes.

gnomAD v4.1: 13 of 1,612,626 alleles (0.00081%); highest among the groups gnomAD compares: Admixed American, 0.0017%; no homozygotes.

Submission:

Genetics Laboratory, Great Ormond Street Hospital NHS Foundation Trust, North Thames Genomic Laboratory Hub
Classification: Uncertain significance for Possible mitochondrial disorder - nuclear genes. Last evaluated: 2026-02-03. Review status: criteria provided, single submitter. Criteria: ACGS Best Practice Guidelines for Variant Classification in Rare Disease 2024 v1.2. Collection method: clinical testing. Allele origin: germline. Affected: yes.
Comment: PM2_moderate, PP3_supporting, PP4_moderate

NM_014317.5(PDSS1):c.886G>A (p.Gly296Arg)

Gene: PDSS1 (decaprenyl diphosphate synthase subunit 1; plus strand). Cytogenetic location: 10p12.1.
Variant type: single nucleotide variant.
Coding change: c.886G>A on transcript NM_014317.5 (MANE Select); coding-DNA position 886, G replaced by A.
Protein change: p.Gly296Arg; replaces glycine 296 with arginine.
Molecular consequence: missense variant. On other transcripts: intron variant (1).
Genome position (GRCh38, 1-based): chr10:26,735,294, G>A. VCF-style: chr10-26735294-G-A. GRCh37 (hg19) VCF-style: chr10-27024223-G-A.
Other names: c.376G>A, p.Gly126Arg (NM_001321979.2); c.836-7203G>A (NM_001321978.2); short protein forms G126R, G296R.
Identifiers: ClinVar variation 4819300 (VCV004819300.1).